The following is an entry in ClinVar:

NM_014244.5(ADAMTS2):c.2109C>T (p.Ile703=)

Gene: ADAMTS2 (ADAM metallopeptidase with thrombospondin type 1 motif 2; minus strand). Cytogenetic location: 5q35.3.
Variant type: single nucleotide variant.
Coding change: c.2109C>T on transcript NM_014244.5 (MANE Select); coding-DNA position 2109, C replaced by T.
Protein change: p.Ile703=; no amino-acid change (isoleucine 703 retained).
Molecular consequence: synonymous variant.
Genome position (GRCh38, 1-based): chr5:179,132,877, G>A on the plus strand (C>T on the coding strand, the complement: ADAMTS2 is on the minus strand). VCF-style: chr5-179132877-G-A. GRCh37 (hg19) VCF-style: chr5-178559878-G-A.
Other names: p.Ile703=.
Identifiers: ClinVar variation 353112 (VCV000353112.22), dbSNP rs200210415, ClinGen allele CA3595657.

ClinVar aggregate classification (germline): Conflicting classifications of pathogenicity. Review status: criteria provided, conflicting classifications (1 of 4 stars). 7 submissions from 7 submitters: Uncertain significance (1); Likely benign (4). 2 of the submissions do not count toward it. Last evaluated 2026-02-04.

Conditions:
Ehlers-Danlos syndrome, dermatosparaxis type. Also called: EDS VIIC; Dermatosparaxis; Ehlers-Danlos syndrome, type VII, autosomal recessive. Identifiers: Orphanet 1901, MedGen C2700425, MONDO:0009161, OMIM 225410.
ADAMTS2-related disorder. Also called: ADAMTS2-related condition.

Allele frequency attached by ClinVar (database versions not stated): ExAC 0.00013; gnomAD exomes 0.00014; ESP Exome Variant Server 0.00015; TOPMed 0.00021; gnomAD 0.00022.
gnomAD v4.1: 360 of 1,613,702 alleles (0.022%); highest among the groups gnomAD compares: Admixed American, 0.03%; no homozygotes.

Submissions (7):

Labcorp Genetics (formerly Invitae), Labcorp
Classification: Likely benign for Ehlers-Danlos syndrome, dermatosparaxis type. Last evaluated: 2026-02-04. Review status: criteria provided, single submitter. Criteria: Invitae Variant Classification Sherloc (09022015). Collection method: clinical testing. Allele origin: germline.

Women's Health and Genetics/Laboratory Corporation of America, LabCorp
Classification: Likely benign. Last evaluated: 2025-09-22. Review status: criteria provided, single submitter. Criteria: LabCorp Variant Classification Summary - May 2015. Collection method: clinical testing. Allele origin: germline.

Mayo Clinic Laboratories, Mayo Clinic
Classification: Likely benign. Last evaluated: 2025-07-31. Review status: criteria provided, single submitter. Criteria: ACMG Guidelines, 2015. Collection method: clinical testing. Allele origin: germline. Observed: 3 variant alleles.
Comment: BP4, BP7

GeneDx
Classification: Likely benign. Last evaluated: 2020-01-15. Review status: criteria provided, single submitter. Criteria: GeneDx Variant Classification Process June 2021. Collection method: clinical testing. Allele origin: germline. Affected: yes.

Illumina Laboratory Services, Illumina
Classification: Uncertain significance for Ehlers-Danlos syndrome, dermatosparaxis type. Last evaluated: 2018-01-12. Review status: criteria provided, single submitter. Criteria: ICSL Variant Classification Criteria 13 December 2019. Collection method: clinical testing. Allele origin: germline.

PreventionGenetics, part of Exact Sciences
Classification: Likely benign for ADAMTS2-related condition. Last evaluated: 2023-12-26. Review status: no assertion criteria provided. Collection method: clinical testing. Allele origin: germline. Not counted in ClinVar's aggregate classification.
Comment: This variant is classified as likely benign based on ACMG/AMP sequence variant interpretation guidelines (Richards et al. 2015 PMID: 25741868, with internal and published modifications).

Natera, Inc.
Classification: Likely benign for Ehlers-Danlos syndrome type VIIC. Last evaluated: 2019-11-22. Review status: no assertion criteria provided. Collection method: clinical testing. Allele origin: germline. Not counted in ClinVar's aggregate classification.